The following is an entry in ClinVar:

NM_006846.4(SPINK5):c.800A>G (p.Gln267Arg)

Gene: SPINK5 (serine peptidase inhibitor Kazal type 5; plus strand). Cytogenetic location: 5q32.
Variant type: single nucleotide variant.
Coding change: c.800A>G on transcript NM_006846.4 (MANE Select); coding-DNA position 800, A replaced by G.
Protein change: p.Gln267Arg; replaces glutamine 267 with arginine.
Molecular consequence: missense variant.
Genome position (GRCh38, 1-based): chr5:148,095,823, A>G. VCF-style: chr5-148095823-A-G. GRCh37 (hg19) VCF-style: chr5-147475386-A-G.
Other names: c.800A>G, p.Gln267Arg (NM_001127698.2, NM_001127699.2); short protein forms Q267R.
Identifiers: ClinVar variation 139256 (VCV000139256.26), dbSNP rs6892205, ClinGen allele CA293690.

ClinVar aggregate classification (germline): Benign/Likely benign. Review status: criteria provided, multiple submitters, no conflicts (2 of 4 stars). 9 submissions from 9 submitters: Benign (8); Likely benign (1). Last evaluated 2026-02-04.

Conditions:
Ichthyosis linearis circumflexa. Identifiers: MedGen C0265962, MONDO:0043106, HP:0025810.
Netherton syndrome (NETH). Also called: ERYTHRODERMA, ICHTHYOSIFORM, WITH HYPOTRICHOSIS AND HYPER-IgE; COMEL-NETHERTON SYNDROME; NETHERTON DISEASE. Identifiers: Orphanet 634, MedGen C5574950, MONDO:0009735, OMIM 256500.

Allele frequency attached by ClinVar (database versions not stated): 1000 Genomes Project 0.50899; TOPMed 0.51441; gnomAD exomes 0.51541 and 0.53182; ESP Exome Variant Server 0.49345; gnomAD 0.50665 and 0.50688; 1000 Genomes Project 30x 0.50843; ExAC 0.52131.
gnomAD v4.1: 827,279 of 1,607,930 alleles (51%); highest among the groups gnomAD compares: Admixed American, 67%; 215,197 homozygotes.

Submissions (9):

Labcorp Genetics (formerly Invitae), Labcorp
Classification: Benign for Ichthyosis linearis circumflexa. Last evaluated: 2026-02-04. Review status: criteria provided, single submitter. Criteria: Invitae Variant Classification Sherloc (09022015). Collection method: clinical testing. Allele origin: germline.

Women's Health and Genetics/Laboratory Corporation of America, LabCorp
Classification: Benign. Last evaluated: 2026-01-08. Review status: criteria provided, single submitter. Criteria: LabCorp Variant Classification Summary - May 2015. Collection method: clinical testing. Allele origin: germline.

Blueprint Genetics
Classification: Likely benign. Last evaluated: 2024-11-26. Review status: criteria provided, single submitter. Criteria: ACMG Guidelines, 2015. Collection method: clinical testing. Allele origin: germline.

Unidad de Genómica Garrahan, Hospital de Pediatría Garrahan
Classification: Benign. Last evaluated: 2024-01-24. Review status: criteria provided, single submitter. Criteria: ACMG Guidelines, 2015. Collection method: clinical testing. Allele origin: germline. Affected: no. Observed: 75 variant alleles.
Comment: This variant is classified as Benign based on local population frequency. This variant was detected in 85% of patients studied by a panel of primary immunodeficiencies. Number of patients: 75. Only high quality variants are reported.

Genome-Nilou Lab
Classification: Benign for Netherton syndrome. Last evaluated: 2021-07-15. Review status: criteria provided, single submitter. Criteria: ACMG Guidelines, 2015. Collection method: clinical testing. Allele origin: germline. Affected: no.

Mayo Clinic Laboratories, Mayo Clinic
Classification: Benign. Last evaluated: 2018-07-03. Review status: criteria provided, single submitter. Criteria: ACMG Guidelines, 2015. Collection method: clinical testing. Allele origin: germline. Observed: 108 variant alleles.

Illumina Laboratory Services, Illumina
Classification: Benign for Netherton syndrome. Last evaluated: 2018-01-13. Review status: criteria provided, single submitter. Criteria: ICSL Variant Classification Criteria 13 December 2019. Collection method: clinical testing. Allele origin: germline.
Comment: This variant was observed in the ICSL laboratory as part of a predisposition screen in an ostensibly healthy population. It had not been previously curated by ICSL or reported in the Human Gene Mutation Database (HGMD: prior to June 1st, 2018), and was therefore a candidate for classification through an automated scoring system. Utilizing variant allele frequency, disease prevalence and penetrance estimates, and inheritance mode, an automated score was calculated to assess if this variant is too frequent to cause the disease. Based on the score and internal cut-off values, a variant classified as benign is not then subjected to further curation. The score for this variant resulted in a classification of benign for this disease.

Laboratory for Molecular Medicine, Mass General Brigham Personalized Medicine
Classification: Benign. Last evaluated: 2016-03-28. Review status: criteria provided, single submitter. Criteria: LMM Criteria. Collection method: clinical testing. Allele origin: germline. Observed: 1 variant allele.
Comment: Disclaimer: This variant has not undergone full assessment. The following are pr eliminary notes: Frequency

PreventionGenetics, part of Exact Sciences
Classification: Benign. Review status: criteria provided, single submitter. Criteria: ACMG Guidelines, 2015. Collection method: clinical testing. Allele origin: germline.